The following is an entry in ClinVar:

NM_024596.5(MCPH1):c.1553C>T (p.Ala518Val)

Gene: MCPH1 (microcephalin 1; plus strand). Cytogenetic location: 8p23.1.
Variant type: single nucleotide variant.
Coding change: c.1553C>T on transcript NM_024596.5 (MANE Select); coding-DNA position 1553, C replaced by T.
Protein change: p.Ala518Val; replaces alanine 518 with valine.
Molecular consequence: missense variant. On other transcripts: non-coding transcript variant (1).
Genome position (GRCh38, 1-based): chr8:6,445,275, C>T. VCF-style: chr8-6445275-C-T. GRCh37 (hg19) VCF-style: chr8-6302796-C-T.
Other names: c.1553C>T, p.Ala518Val (NM_001172574.2, NM_001322042.2, NM_001363979.1 and 1 more transcripts); c.1409C>T, p.Ala470Val (NM_001172575.2); c.1547C>T, p.Ala516Val (NM_001322043.2); c.1451C>T, p.Ala484Val (NM_001322045.2); short protein forms A470V, A484V, A516V, A518V.
Identifiers: ClinVar variation 1402775 (VCV001402775.2), dbSNP rs1466023730, ClinGen allele CA370221875.

ClinVar aggregate classification (germline): Uncertain significance (1 of 4 stars; one submission).

Allele frequency attached by ClinVar (database versions not stated): gnomAD exomes below 0.00001; TOPMed below 0.00001; gnomAD 0.00001.
gnomAD v4.1: 2 of 1,614,202 alleles (0.00012%); highest among the groups gnomAD compares: South Asian, 0.0022%; no homozygotes.

Submission:

Labcorp Genetics (formerly Invitae), Labcorp
Classification: Uncertain significance. Last evaluated: 2024-10-30. Review status: criteria provided, single submitter. Criteria: Invitae Variant Classification Sherloc (09022015). Collection method: clinical testing. Allele origin: germline.
Comment: This sequence change replaces alanine, which is neutral and non-polar, with valine, which is neutral and non-polar, at codon 518 of the MCPH1 protein (p.Ala518Val). This variant is present in population databases (no rsID available, gnomAD 0.003%). This variant has not been reported in the literature in individuals affected with MCPH1-related conditions. ClinVar contains an entry for this variant (Variation ID: 1402775). Invitae Evidence Modeling of protein sequence and biophysical properties (such as structural, functional, and spatial information, amino acid conservation, physicochemical variation, residue mobility, and thermodynamic stability) indicates that this missense variant is not expected to disrupt MCPH1 protein function with a negative predictive value of 80%. In summary, the available evidence is currently insufficient to determine the role of this variant in disease. Therefore, it has been classified as a Variant of Uncertain Significance.